The following is an entry in ClinVar:

NM_001042681.2(RERE):c.3696C>T (p.Phe1232=)

Gene: RERE (arginine-glutamic acid dipeptide repeats; minus strand). Cytogenetic location: 1p36.23.
Variant type: single nucleotide variant.
Coding change: c.3696C>T on transcript NM_001042681.2 (MANE Select); coding-DNA position 3696, C replaced by T.
Protein change: p.Phe1232=; no amino-acid change (phenylalanine 1232 retained).
Molecular consequence: synonymous variant.
Genome position (GRCh38, 1-based): chr1:8,358,839, G>A on the plus strand (C>T on the coding strand, the complement: RERE is on the minus strand). VCF-style: chr1-8358839-G-A. GRCh37 (hg19) VCF-style: chr1-8418899-G-A.
Other names: c.2034C>T, p.Phe678= (NM_001042682.2); c.3696C>T, p.Phe1232= (NM_012102.4).
Identifiers: ClinVar variation 721969 (VCV000721969.17), dbSNP rs141711704, ClinGen allele CA571009.

ClinVar aggregate classification (germline): Benign/Likely benign. Review status: criteria provided, multiple submitters, no conflicts (2 of 4 stars). 4 submissions from 4 submitters: Benign (1); Likely benign (2). 1 of the submissions does not count toward it. Last evaluated 2026-04-01.

Conditions:
Neurodevelopmental disorder with or without anomalies of the brain, eye, or heart (NEDBEH). Identifiers: Orphanet 494344, MedGen C5567477, MONDO:0014857, OMIM 616975.
RERE-related disorder. Also called: RERE-Related Disorders; RERE-related condition. Identifiers: MedGen CN381537.

Allele frequency attached by ClinVar (database versions not stated): gnomAD exomes 0.00028 and 0.00083; ExAC 0.00108; gnomAD 0.00277 and 0.00289; ESP Exome Variant Server 0.00300; TOPMed 0.00346; 1000 Genomes Project 0.00359; 1000 Genomes Project 30x 0.00390.
gnomAD v4.1: 851 of 1,607,146 alleles (0.053%); highest among the groups gnomAD compares: African/African-American, 0.98%; 4 homozygotes.

Submissions (4):

CeGaT Center for Human Genetics Tuebingen
Classification: Likely benign. Last evaluated: 2026-04-01. Review status: criteria provided, single submitter. Criteria: CeGaT Center For Human Genetics Tuebingen Variant Classification Criteria Version 2. Collection method: clinical testing. Allele origin: germline. Affected: yes. Observed: 2 variant alleles.
Comment: RERE: BP4, BP7

Labcorp Genetics (formerly Invitae), Labcorp
Classification: Benign. Last evaluated: 2025-12-20. Review status: criteria provided, single submitter. Criteria: Invitae Variant Classification Sherloc (09022015). Collection method: clinical testing. Allele origin: germline.

Fulgent Genetics
Classification: Likely benign for Neurodevelopmental disorder with or without anomalies of the brain, eye, or heart. Last evaluated: 2021-08-06. Review status: criteria provided, single submitter. Criteria: ACMG Guidelines, 2015. Collection method: clinical testing. Allele origin: unknown.

PreventionGenetics, part of Exact Sciences
Classification: Benign for RERE-related condition. Last evaluated: 2019-06-17. Review status: no assertion criteria provided. Collection method: clinical testing. Allele origin: germline. Not counted in ClinVar's aggregate classification.
Comment: This variant is classified as benign based on ACMG/AMP sequence variant interpretation guidelines (Richards et al. 2015 PMID: 25741868, with internal and published modifications).